The following is an entry in ClinVar:

ClinVar aggregate classification (germline): Pathogenic (1 of 4 stars; one submission).

Conditions:
Hereditary cancer-predisposing syndrome. Also called: Neoplastic Syndromes, Hereditary; Tumor predisposition; Hereditary Cancer Syndrome; Hereditary neoplastic syndrome. Identifiers: Orphanet 140162, MedGen C0027672, MeSH D009386, MONDO:0015356.

Submission:

Ambry Genetics
Classification: Pathogenic for Hereditary cancer-predisposing syndrome. Last evaluated: 2013-10-21. Review status: criteria provided, single submitter. Criteria: Ambry Autosomal Dominant and X-Linked criteria (10/2015). Collection method: clinical testing. Allele origin: germline. Observed: 1 variant allele.
Comment: Ã¢â‚¬â€¹The c.626_627+15del17 mutation is a deletion beginning in coding exon 3 of the MSH6 gene and extending 15 nucleotides into intron 3. This results in the deletion of a total of 17 nucleotides including the last 2 nucleotides of coding exon 3 and the intron 3 splice donor site. The 2bp deletion within coding exon 3 is predicted to cause a translational frameshift with an alternate stop codon. Since both frameshifts and mutations that disrupt the canonical splice donor site are typically deleterious in nature, this alteration is interpreted as a disease-causing mutation (ACMG recommendations for Standards for Interpretation and Reporting of Sequence Variations. Revision 2007. Genet Med. 2008;10:294).

NM_000179.3(MSH6):c.626_627+15del

Gene: MSH6 (mutS homolog 6; plus strand). Cytogenetic location: 2p16.3.
Variant type: Deletion.
Coding change: c.626_627+15del on transcript NM_000179.3 (MANE Select); coding-DNA position 626 through 15 bases into the intron after coding-DNA position 627, 17 bases deleted (AGGTGGGACACGGCAAG).
Molecular consequence: splice donor variant. On other transcripts: intron variant (2).
Genome position (GRCh38, 1-based): chr2:47,796,062-47,796,078, AGGTGGGACACGGCAAG deleted; deleting any 17 consecutive bases within chr2:47,796,061-47,796,078 gives the same sequence; the c. name uses the placement nearest the transcript's 3' end. VCF-style (leftmost placement, unchanged base first): chr2-47796060-GGAGGTGGGACACGGCAA-G. GRCh37 (hg19) VCF-style: chr2-48023199-GGAGGTGGGACACGGCAA-G.
Other names: c.-279-2549_-279-2533del (NM_001281493.2); c.238-2549_238-2533del (NM_001281492.2); c.-277_-276+15del (NM_001281494.2); c.626_627+15delAGGTGGGACACGGCAAG (NM_000179.2).
Identifiers: ClinVar variation 142001 (VCV000142001.3), dbSNP rs587782172, ClinGen allele CA167078.